The following is an entry in ClinVar:

ClinVar aggregate classification (germline): Uncertain significance (1 of 4 stars; one submission).

Conditions:
Hereditary cancer-predisposing syndrome. Also called: Neoplastic Syndromes, Hereditary; Hereditary Cancer Syndrome; Hereditary neoplastic syndrome; Tumor predisposition. Identifiers: Orphanet 140162, MedGen C0027672, MeSH D009386, MONDO:0015356.

Submission:

Ambry Genetics
Classification: Uncertain significance for Hereditary cancer-predisposing syndrome. Last evaluated: 2023-04-25. Review status: criteria provided, single submitter. Criteria: Ambry Variant Classification Scheme 2023. Collection method: clinical testing. Allele origin: germline.
Comment: The c.345+3A>G intronic variant results from an A to G substitution 3 nucleotides after coding exon 4 in the RAD51D gene. This nucleotide position is highly conserved in available vertebrate species. In silico splice site analysis predicts that this alteration will weaken the native splice donor site; however, direct evidence is insufficient at this time (Ambry internal data). Since supporting evidence is limited at this time, the clinical significance of this alteration remains unclear.

NM_002878.4(RAD51D):c.345+3A>G

Genes: RAD51D (RAD51 paralog D; minus strand), RAD51L3-RFFL (RAD51L3-RFFL readthrough; minus strand). Cytogenetic location: 17q12.
Variant type: single nucleotide variant.
Coding change: c.345+3A>G on transcript NM_002878.4 (MANE Select); 3 bases into the intron after coding-DNA position 345, A replaced by G.
Molecular consequence: intron variant.
Genome position (GRCh38, 1-based): chr17:35,107,363, T>C on the plus strand (A>G on the coding strand, the complement: RAD51D is on the minus strand). VCF-style: chr17-35107363-T-C. GRCh37 (hg19) VCF-style: chr17-33434382-T-C.
Other names: c.145-882A>G (NM_133629.3); c.405+3A>G (NM_001142571.2).
Identifiers: ClinVar variation 2563032 (VCV002563032.2), dbSNP rs2142436352, ClinGen allele CA2580612610.